The following is an entry in ClinVar:

ClinVar aggregate classification (germline): Uncertain significance. Review status: criteria provided, multiple submitters, no conflicts (2 of 4 stars). 3 submissions from 3 submitters: Uncertain significance (3). Last evaluated 2026-02-01.

Conditions:
Cardiovascular phenotype. Identifiers: MedGen CN230736.
Charcot-Marie-Tooth disease type 2. Also called: Charcot-Marie-Tooth type 2. Identifiers: Orphanet 64746, MedGen C0270914, MONDO:0018993.
Primary dilated cardiomyopathy (DCM). Also called: Dilated Cardiomyopathy. Identifiers: Orphanet 217604, MedGen C0007193, MeSH D002311, MONDO:0005021, HP:0001644. Inheritance: Various modes of inheritance.

Allele frequency attached by ClinVar (database versions not stated): gnomAD exomes below 0.00001 and 0.00001; TOPMed 0.00002; ExAC 0.00006; gnomAD 0.00002.
gnomAD v4.1: 4 of 1,593,670 alleles (0.00025%); highest among the groups gnomAD compares: African/African-American, 0.004%; no homozygotes.

Submissions (3):

Labcorp Genetics (formerly Invitae), Labcorp
Classification: Uncertain significance for Charcot-Marie-Tooth disease type 2. Last evaluated: 2026-02-01. Review status: criteria provided, single submitter. Criteria: Invitae Variant Classification Sherloc (09022015). Collection method: clinical testing. Allele origin: germline.
Comment: This sequence change replaces arginine, which is basic and polar, with histidine, which is basic and polar, at codon 50 of the LMNA protein (p.Arg50His). The frequency data for this variant in the population databases is considered unreliable, as metrics indicate poor data quality at this position in the gnomAD database. This missense change has been observed in individual(s) with clinical features of LMNA-related conditions (PMID: 31383942). ClinVar contains an entry for this variant (Variation ID: 519299). Invitae Evidence Modeling of protein sequence and biophysical properties (such as structural, functional, and spatial information, amino acid conservation, physicochemical variation, residue mobility, and thermodynamic stability) indicates that this missense variant is expected to disrupt LMNA protein function with a positive predictive value of 95%. Experimental studies have shown that this missense change does not substantially affect LMNA function (PMID: 34862408). This variant disrupts the p.Arg50 amino acid residue in LMNA. Other variant(s) that disrupt this residue have been determined to be pathogenic (PMID: 10939567, 31498906). This suggests that this residue is clinically significant, and that variants that disrupt this residue are likely to be disease-causing. In summary, the available evidence is currently insufficient to determine the role of this variant in disease. Therefore, it has been classified as a Variant of Uncertain Significance.

Ambry Genetics
Classification: Uncertain significance for Cardiovascular phenotype. Last evaluated: 2024-12-30. Review status: criteria provided, single submitter. Criteria: Ambry Variant Classification Scheme 2023. Collection method: clinical testing. Allele origin: germline.
Comment: The p.R50H variant (also known as c.149G>A), located in coding exon 1 of the LMNA gene, results from a G to A substitution at nucleotide position 149. The arginine at codon 50 is replaced by histidine, an amino acid with highly similar properties. This variant has been identified in an individual reported to have cardiomyopathy and conduction disease, but clinical details were limited (Park J et al. Genet Med, 2020 01;22:102-111). This amino acid position is highly conserved in available vertebrate species. In addition, this alteration is predicted to be deleterious by in silico analysis. Since supporting evidence is limited at this time, the clinical significance of this alteration remains unclear.

All of Us Research Program, National Institutes of Health
Classification: Uncertain significance for Primary dilated cardiomyopathy. Last evaluated: 2024-03-05. Review status: criteria provided, single submitter. Criteria: ACMG Guidelines, 2015. Collection method: clinical testing. Allele origin: germline. Inheritance: Autosomal dominant inheritance. Observed: 1 variant allele, 1 heterozygote.
Comment: This missense variant replaces arginine with histidine at codon 50 of the LMNA protein. Computational prediction suggests that this variant may have deleterious impact on protein structure and function (internally defined REVEL score threshold >= 0.7, PMID: 27666373). To our knowledge, functional studies have not been reported for this variant. This variant has not been reported in individuals affected with cardiovascular disorders in the literature. This variant has been identified in 3/242446 chromosomes in the general population by the Genome Aggregation Database (gnomAD). The available evidence is insufficient to determine the role of this variant in disease conclusively. Therefore, this variant is classified as a Variant of Uncertain Significance.

This study involves interpretation of variants in research participants for the purpose of population health screening. Participant phenotype was not available at the time of variant classification. Additional details can be found in publication PMID: 35346344, PMCID: PMC8962531

Literature cited by the submitters: PubMed 31383942 (cited by Labcorp Genetics (formerly Invitae), Labcorp and Ambry Genetics); PubMed 34862408 (cited by Labcorp Genetics (formerly Invitae), Labcorp); PubMed 10939567 (cited by Labcorp Genetics (formerly Invitae), Labcorp and Ambry Genetics); PubMed 31498906 (cited by Labcorp Genetics (formerly Invitae), Labcorp); PubMed 11503164 (cited by Ambry Genetics).

NM_170707.4(LMNA):c.149G>A (p.Arg50His)

Gene: LMNA (lamin A/C; plus strand). Cytogenetic location: 1q22.
Variant type: single nucleotide variant.
Coding change: c.149G>A on transcript NM_170707.4 (MANE Select); coding-DNA position 149, G replaced by A.
Protein change: p.Arg50His; replaces arginine 50 with histidine.
Molecular consequence: missense variant.
Genome position (GRCh38, 1-based): chr1:156,115,067, G>A. VCF-style: chr1-156115067-G-A. GRCh37 (hg19) VCF-style: chr1-156084858-G-A.
Other names: c.149G>A, p.Arg50His (NM_001282625.2, NM_001282626.2, NM_005572.4 and 1 more transcripts); short protein forms R50H.
Identifiers: ClinVar variation 519299 (VCV000519299.17), dbSNP rs60695352, ClinGen allele CA050485.
Genomic context (GRCh38, chr1:156,115,067, plus strand): 5'-AGGAGAAGGAGGACCTGCAGGAGCTCAATGATCGCTTGGCGGTCTACATCGACCGTGTGC[G>A]CTCGCTGGAAACGGAGAACGCAGGGCTGCGCCTTCGCATCACCGAGTCTGAAGAGGTGGT-3'
Protein context (NP_733821.1, residues 40-60): DRLAVYIDRV[Arg50His]SLETENAGLR